The following is an entry in ClinVar:

NM_015294.6(TRIM37):c.608C>T (p.Thr203Ile)

Gene: TRIM37 (tripartite motif containing 37; minus strand). Cytogenetic location: 17q22.
Variant type: single nucleotide variant.
Coding change: c.608C>T on transcript NM_015294.6 (MANE Select); coding-DNA position 608, C replaced by T.
Protein change: p.Thr203Ile; replaces threonine 203 with isoleucine.
Molecular consequence: missense variant. On other transcripts: 5 prime UTR variant (1), non-coding transcript variant (2).
Genome position (GRCh38, 1-based): chr17:59,079,762, G>A on the plus strand (C>T on the coding strand, the complement: TRIM37 is on the minus strand). VCF-style: chr17-59079762-G-A. GRCh37 (hg19) VCF-style: chr17-57157123-G-A.
Other names: c.608C>T, p.Thr203Ile (NM_001005207.5, NM_001320988.3, NM_001320989.3 and 2 more transcripts); c.506C>T, p.Thr169Ile (NM_001320987.3, NM_001353082.2); c.242C>T, p.Thr81Ile (NM_001320990.3); c.-145C>T (NM_001353083.2); c.146C>T, p.Thr49Ile (NM_001353085.2); short protein forms T203I, T49I, T81I, T169I.
Identifiers: ClinVar variation 2040453 (VCV002040453.1), dbSNP rs2546075488, ClinGen allele CA400390301.

ClinVar aggregate classification (germline): Uncertain significance (1 of 4 stars; one submission).

Submission:

Labcorp Genetics (formerly Invitae), Labcorp
Classification: Uncertain significance. Last evaluated: 2021-12-12. Review status: criteria provided, single submitter. Criteria: Invitae Variant Classification Sherloc (09022015). Collection method: clinical testing. Allele origin: germline.
Comment: This sequence change replaces threonine, which is neutral and polar, with isoleucine, which is neutral and non-polar, at codon 203 of the TRIM37 protein (p.Thr203Ile). This variant is not present in population databases (gnomAD no frequency). This variant has not been reported in the literature in individuals affected with TRIM37-related conditions. Algorithms developed to predict the effect of missense changes on protein structure and function are either unavailable or do not agree on the potential impact of this missense change (SIFT: "Not Available"; PolyPhen-2: "Probably Damaging"; Align-GVGD: "Not Available"). In summary, the available evidence is currently insufficient to determine the role of this variant in disease. Therefore, it has been classified as a Variant of Uncertain Significance.